The following is an entry in ClinVar:

NM_003801.4(GPAA1):c.1031G>A (p.Arg344His)

Gene: GPAA1 (glycosylphosphatidylinositol anchor attachment 1; plus strand). Cytogenetic location: 8q24.3.
Variant type: single nucleotide variant.
Coding change: c.1031G>A on transcript NM_003801.4 (MANE Select); coding-DNA position 1031, G replaced by A.
Protein change: p.Arg344His; replaces arginine 344 with histidine.
Molecular consequence: missense variant.
Genome position (GRCh38, 1-based): chr8:144,084,742, G>A. VCF-style: chr8-144084742-G-A. GRCh37 (hg19) VCF-style: chr8-145139645-G-A.
Other names: short protein forms R344H.
Identifiers: ClinVar variation 1307313 (VCV001307313.6), dbSNP rs782442904, ClinGen allele CA4933030.
Genomic context (GRCh38, chr8:144,084,742, plus strand): 5'-GTGGCTCTGGCCAGCCGTGAACCTGCCCCACACCTGACAGGGCTTTGGAGGGCATGTTCC[G>A]CAAGCTCAACCACCTCCTGGAGCGCCTGCACCAGTCCTTCTTCCTCTACTTGCTCCCCGG-3'
Protein context (NP_003792.1, residues 334-354): AVGKALEGMF[Arg344His]KLNHLLERLH

ClinVar aggregate classification (germline): Uncertain significance. Review status: criteria provided, multiple submitters, no conflicts (2 of 4 stars). 3 submissions from 3 submitters: Uncertain significance (3). Last evaluated 2025-08-25.

Conditions:
Inborn genetic diseases. Identifiers: MedGen C0950123, MeSH D030342.

Allele frequency attached by ClinVar (database versions not stated): ExAC 0.00002; gnomAD exomes 0.00003; gnomAD 0.00004 and 0.00005; TOPMed 0.00005.
gnomAD v4.1: 35 of 1,613,642 alleles (0.0022%); highest among the groups gnomAD compares: Admixed American, 0.005%; no homozygotes.

Submissions (3):

Ambry Genetics
Classification: Uncertain significance for Inborn genetic diseases. Last evaluated: 2025-08-25. Review status: criteria provided, single submitter. Criteria: Ambry Variant Classification Scheme 2023. Collection method: clinical testing. Allele origin: germline.

Labcorp Genetics (formerly Invitae), Labcorp
Classification: Uncertain significance. Last evaluated: 2022-02-21. Review status: criteria provided, single submitter. Criteria: Invitae Variant Classification Sherloc (09022015). Collection method: clinical testing. Allele origin: germline.
Comment: This sequence change replaces arginine, which is basic and polar, with histidine, which is basic and polar, at codon 344 of the GPAA1 protein (p.Arg344His). This variant is present in population databases (rs782442904, gnomAD 0.008%). This variant has not been reported in the literature in individuals affected with GPAA1-related conditions. ClinVar contains an entry for this variant (Variation ID: 1307313). Algorithms developed to predict the effect of missense changes on protein structure and function are either unavailable or do not agree on the potential impact of this missense change (SIFT: "Deleterious"; PolyPhen-2: "Probably Damaging"; Align-GVGD: "Class C0"). In summary, the available evidence is currently insufficient to determine the role of this variant in disease. Therefore, it has been classified as a Variant of Uncertain Significance.

GeneDx
Classification: Uncertain significance. Last evaluated: 2019-07-29. Review status: criteria provided, single submitter. Criteria: GeneDx Variant Classification Process June 2021. Collection method: clinical testing. Allele origin: germline. Affected: yes.
Comment: Not observed at a significant frequency in large population cohorts (Lek et al., 2016); In silico analysis, which includes protein predictors and evolutionary conservation, supports a deleterious effect; Has not been previously published as pathogenic or benign to our knowledge